The following is an entry in ClinVar:

NM_002230.4(JUP):c.2108C>G (p.Pro703Arg)

Gene: JUP (junction plakoglobin; minus strand). Cytogenetic location: 17q21.2.
Variant type: single nucleotide variant.
Coding change: c.2108C>G on transcript NM_002230.4 (MANE Select); coding-DNA position 2108, C replaced by G.
Protein change: p.Pro703Arg; replaces proline 703 with arginine.
Molecular consequence: missense variant.
Genome position (GRCh38, 1-based): chr17:41,755,874, G>C on the plus strand (C>G on the coding strand, the complement: JUP is on the minus strand). VCF-style: chr17-41755874-G-C. GRCh37 (hg19) VCF-style: chr17-39912126-G-C.
Other names: c.2108C>G, p.Pro703Arg (NM_001352773.2, NM_001352774.2, NM_001352775.2 and 3 more transcripts); short protein forms P703R.
Identifiers: ClinVar variation 1061982 (VCV001061982.9), dbSNP rs1008749253, ClinGen allele CA290694754.

ClinVar aggregate classification (germline): Uncertain significance (1 of 4 stars; one submission).

Conditions:
Arrhythmogenic right ventricular dysplasia 12. Also called: ARRHYTHMOGENIC RIGHT VENTRICULAR DYSPLASIA, FAMILIAL, 12. Identifiers: MedGen C1969081, MONDO:0012684, OMIM 611528.
Naxos disease (NXD). Also called: CARDIOMYOPATHY, ARRHYTHMOGENIC RIGHT VENTRICULAR, WITH SKIN, HAIR, AND NAIL ABNORMALITIES; KERATOSIS PALMOPLANTARIS WITH ARRHYTHMOGENIC CARDIOMYOPATHY; MAL DE NAXOS; PALMOPLANTAR KERATODERMA WITH ARRHYTHMOGENIC RIGHT VENTRICULAR CARDIOMYOPATHY AND WOOLLY HAIR; WOOLLY HAIR, PALMOPLANTAR KERATODERMA, AND CARDIAC ABNORMALITIES. Identifiers: Orphanet 34217, MedGen C1832600, MONDO:0011017, OMIM 601214.

Submission:

Labcorp Genetics (formerly Invitae), Labcorp
Classification: Uncertain significance for Arrhythmogenic right ventricular dysplasia 12; Naxos disease. Last evaluated: 2020-08-14. Review status: criteria provided, single submitter. Criteria: Invitae Variant Classification Sherloc (09022015). Collection method: clinical testing. Allele origin: germline.
Comment: In summary, the available evidence is currently insufficient to determine the role of this variant in disease. Therefore, it has been classified as a Variant of Uncertain Significance. Algorithms developed to predict the effect of missense changes on protein structure and function (SIFT, PolyPhen-2, Align-GVGD) all suggest that this variant is likely to be tolerated, but these predictions have not been confirmed by published functional studies and their clinical significance is uncertain. This variant has not been reported in the literature in individuals with JUP-related conditions. This variant is not present in population databases (ExAC no frequency). This sequence change replaces proline with arginine at codon 703 of the JUP protein (p.Pro703Arg). The proline residue is weakly conserved and there is a moderate physicochemical difference between proline and arginine.